The following is an entry in ClinVar:

ClinVar aggregate classification (germline): Uncertain significance (1 of 4 stars; one submission).

Submission:

Labcorp Genetics (formerly Invitae), Labcorp
Classification: Uncertain significance. Last evaluated: 2023-04-09. Review status: criteria provided, single submitter. Criteria: Invitae Variant Classification Sherloc (09022015). Collection method: clinical testing. Allele origin: germline.
Comment: In summary, the available evidence is currently insufficient to determine the role of this variant in disease. Therefore, it has been classified as a Variant of Uncertain Significance. This variant has not been reported in the literature in individuals affected with RNF43-related conditions. This variant is not present in population databases (gnomAD no frequency). This sequence change creates a premature translational stop signal (p.Leu202Glnfs*2) in the RNF43 gene. It is expected to result in an absent or disrupted protein product. However, the current clinical and genetic evidence is not sufficient to establish whether loss-of-function variants in RNF43 cause disease.

NM_017763.6(RNF43):c.604_605insAATGATGTGTGGATCC (p.Leu202delinsGlnTer)

Gene: RNF43 (ring finger protein 43; minus strand). Cytogenetic location: 17q22.
Variant type: Insertion.
Coding change: c.604_605insAATGATGTGTGGATCC on transcript NM_017763.6 (MANE Select); coding-DNA positions 604 to 605, AATGATGTGTGGATCC inserted.
Protein change: p.Leu202delinsGlnTer.
Molecular consequence: nonsense. On other transcripts: frameshift variant (2).
Genome position: GRCh38 VCF-style: chr17-58362626-A-AGGATCCACACATCATT. GRCh37 (hg19) VCF-style: chr17-56439987-A-AGGATCCACACATCATT.
Other names: c.589_590insATGATGTGTGGATCCA, p.Leu202Glnfs (NM_001305544.3); c.208_209insATGATGTGTGGATCCA, p.Leu75Glnfs (NM_001305545.2).
Identifiers: ClinVar variation 2853800 (VCV002853800.3), dbSNP rs2509363885, ClinGen allele CA2739268262.